The following is an entry in ClinVar:

NC_000001.10:g.(?_215799123)_(216538447_?)del

Gene: USH2A (usherin; minus strand). Cytogenetic location: 1q41.
Variant type: Deletion.
Identifiers: ClinVar variation 2427742 (VCV002427742.4).

ClinVar aggregate classification (germline): Pathogenic (1 of 4 stars; one submission).

Submission:

Labcorp Genetics (formerly Invitae), Labcorp
Classification: Pathogenic. Last evaluated: 2022-03-09. Review status: criteria provided, single submitter. Criteria: Invitae Variant Classification Sherloc (09022015). Collection method: clinical testing. Allele origin: germline.
Comment: For these reasons, this variant has been classified as Pathogenic. This variant disrupts a region of the USH2A protein in which other variant(s) (p.Gly4763Arg) have been determined to be pathogenic (PMID: 5649381, 25133613, 27460420). This suggests that this is a clinically significant region of the protein, and that variants that disrupt it are likely to be disease-causing. This variant has not been reported in the literature in individuals affected with USH2A-related conditions. This variant is a gross deletion of the genomic region encompassing exon(s) 4-72 of the USH2A gene, which includes the termination codon. This deletion extends beyond the assayed region for this gene and therefore may encompass additional genes. While this deletion is not anticipated to lead to nonsense mediated decay, it is expected to alter mRNA translation or result in a truncated protein product.

Literature cited by the submitters: PubMed 5649381; PubMed 25133613; PubMed 27460420.